The following is an entry in ClinVar:

NM_004608.4(TBX6):c.910G>A (p.Gly304Arg)

Gene: TBX6 (T-box transcription factor 6; minus strand). Cytogenetic location: 16p11.2.
Variant type: single nucleotide variant.
Coding change: c.910G>A on transcript NM_004608.4 (MANE Select); coding-DNA position 910, G replaced by A.
Protein change: p.Gly304Arg; replaces glycine 304 with arginine.
Molecular consequence: missense variant.
Genome position (GRCh38, 1-based): chr16:30,086,781, C>T on the plus strand (G>A on the coding strand, the complement: TBX6 is on the minus strand). VCF-style: chr16-30086781-C-T. GRCh37 (hg19) VCF-style: chr16-30098102-C-T.
Other names: c.910G>A (NM_004608.3); short protein forms G304R.
Identifiers: ClinVar variation 2917348 (VCV002917348.4), dbSNP rs200646948, ClinGen allele CA8001745.

ClinVar aggregate classification (germline): Uncertain significance. Review status: criteria provided, multiple submitters, no conflicts (2 of 4 stars). 2 submissions from 2 submitters: Uncertain significance (2). Last evaluated 2025-05-05.

Conditions:
Inborn genetic diseases. Identifiers: MedGen C0950123, MeSH D030342.

Allele frequency attached by ClinVar (database versions not stated): ExAC 0.00002; gnomAD 0.00004.
gnomAD v4.1: 78 of 1,613,876 alleles (0.0048%); highest among the groups gnomAD compares: Non-Finnish European, 0.006%; no homozygotes.

Submissions (2):

Labcorp Genetics (formerly Invitae), Labcorp
Classification: Uncertain significance. Last evaluated: 2025-05-05. Review status: criteria provided, single submitter. Criteria: Invitae Variant Classification Sherloc (09022015). Collection method: clinical testing. Allele origin: germline.
Comment: This sequence change replaces glycine, which is neutral and non-polar, with arginine, which is basic and polar, at codon 304 of the TBX6 protein (p.Gly304Arg). This variant is present in population databases (rs200646948, gnomAD 0.006%). This variant has not been reported in the literature in individuals affected with TBX6-related conditions. ClinVar contains an entry for this variant (Variation ID: 2917348). Invitae Evidence Modeling of protein sequence and biophysical properties (such as structural, functional, and spatial information, amino acid conservation, physicochemical variation, residue mobility, and thermodynamic stability) indicates that this missense variant is not expected to disrupt TBX6 protein function with a negative predictive value of 80%. In summary, the available evidence is currently insufficient to determine the role of this variant in disease. Therefore, it has been classified as a Variant of Uncertain Significance.

Ambry Genetics
Classification: Uncertain significance for Inborn genetic diseases. Last evaluated: 2025-02-06. Review status: criteria provided, single submitter. Criteria: Ambry Variant Classification Scheme 2023. Collection method: clinical testing. Allele origin: germline.